The following is an entry in ClinVar:

NM_022765.4(MICAL1):c.1112G>A (p.Arg371Gln)

Gene: MICAL1 (microtubule associated monooxygenase, calponin and LIM domain containing 1; minus strand). Cytogenetic location: 6q21.
Variant type: single nucleotide variant.
Coding change: c.1112G>A on transcript NM_022765.4 (MANE Select); coding-DNA position 1112, G replaced by A.
Protein change: p.Arg371Gln; replaces arginine 371 with glutamine.
Molecular consequence: missense variant. On other transcripts: intron variant (1).
Genome position (GRCh38, 1-based): chr6:109,450,379, C>T on the plus strand (G>A on the coding strand, the complement: MICAL1 is on the minus strand). VCF-style: chr6-109450379-C-T. GRCh37 (hg19) VCF-style: chr6-109771582-C-T.
Other names: c.1169G>A, p.Arg390Gln (NM_001286613.2); c.934-294G>A (NM_001159291.2); short protein forms R390Q, R371Q.
Identifiers: ClinVar variation 1937874 (VCV001937874.5), dbSNP rs750600343, ClinGen allele CA3953502.

ClinVar aggregate classification (germline): Uncertain significance (1 of 4 stars; one submission).

Allele frequency attached by ClinVar (database versions not stated): TOPMed 0.00001; gnomAD 0.00003; ExAC 0.00005.

Submission:

Labcorp Genetics (formerly Invitae), Labcorp
Classification: Uncertain significance. Last evaluated: 2023-06-25. Review status: criteria provided, single submitter. Criteria: Invitae Variant Classification Sherloc (09022015). Collection method: clinical testing. Allele origin: germline.
Comment: In summary, the available evidence is currently insufficient to determine the role of this variant in disease. Therefore, it has been classified as a Variant of Uncertain Significance. An algorithm developed to predict the effect of missense changes on protein structure and function (PolyPhen-2) suggests that this variant is likely to be disruptive. ClinVar contains an entry for this variant (Variation ID: 1937874). This variant has not been reported in the literature in individuals affected with MICAL1-related conditions. The frequency data for this variant in the population databases is considered unreliable, as metrics indicate poor data quality at this position in the gnomAD database. This sequence change replaces arginine, which is basic and polar, with glutamine, which is neutral and polar, at codon 390 of the MICAL1 protein (p.Arg390Gln).